The following is an entry in ClinVar:

NM_001204.7(BMPR2):c.837G>T (p.Met279Ile)

Gene: BMPR2 (bone morphogenetic protein receptor type 2; plus strand). Cytogenetic location: 2q33.2.
Variant type: single nucleotide variant.
Coding change: c.837G>T on transcript NM_001204.7 (MANE Select); coding-DNA position 837, G replaced by T.
Protein change: p.Met279Ile; replaces methionine 279 with isoleucine.
Molecular consequence: missense variant.
Genome position (GRCh38, 1-based): chr2:202,519,037, G>T. VCF-style: chr2-202519037-G-T. GRCh37 (hg19) VCF-style: chr2-203383760-G-T.
Other names: short protein forms M279I.
Identifiers: ClinVar variation 4843376 (VCV004843376.1).
Genomic context (GRCh38, chr2:202,519,037, plus strand): 5'-CTTTATAGTTGGAGATGAGAGAGTCACTGCAGATGGACGCATGGAATATTTGCTTGTGAT[G>T]GAGTACTATCCCAATGTAAGTTCTTCATAGAAAATAAACTGAGGCCAGGTGTGGTGGCTT-3'
Protein context (NP_001195.2, residues 269-289): ADGRMEYLLV[Met279Ile]EYYPNGSLCK

ClinVar aggregate classification (germline): Uncertain significance (1 of 4 stars; one submission).

Conditions:
Inborn genetic diseases. Identifiers: MedGen C0950123, MeSH D030342.

gnomAD v4.1: 1 of 1,613,842 alleles (0.000062%); highest among the groups gnomAD compares: Non-Finnish European, 0.000085%; no homozygotes.

Submission:

Ambry Genetics
Classification: Uncertain significance for Inborn genetic diseases. Last evaluated: 2026-01-04. Review status: criteria provided, single submitter. Criteria: Ambry Variant Classification Scheme 2023. Collection method: clinical testing. Allele origin: germline.
Comment: The p.M279I variant (also known as c.837G>T), located in coding exon 6 of the BMPR2 gene, results from a G to T substitution at nucleotide position 837. The methionine at codon 279 is replaced by isoleucine, an amino acid with highly similar properties. This amino acid position is conserved. In addition, this alteration is predicted to be deleterious by in silico analysis. Based on the available evidence, the clinical significance of this variant remains unclear.